The following is an entry in ClinVar:

ClinVar aggregate classification (germline): Uncertain significance (1 of 4 stars; one submission).

Conditions:
GRK2-related disorder.

Submission:

3billion
Classification: Uncertain significance for GRK2-related disorder. Last evaluated: 2025-11-10. Review status: criteria provided, single submitter. Criteria: ACMG Guidelines, 2015. Collection method: clinical testing. Allele origin: germline. Affected: yes.
Comment: The variant is not observed in the gnomAD v4.1.0 dataset. Predicted Consequence/Location: Canonical splice site: predicted to alter splicing and result in a loss or disruption of normal protein function. Multiple pathogenic loss-of-function variants are reported downstream of the variant. Therefore, this variant is classified as VUS according to the recommendation of ACMG/AMP guideline.

NM_001619.5(GRK2):c.503+1G>A

Gene: GRK2 (G protein-coupled receptor kinase 2; plus strand). Cytogenetic location: 11q13.2.
Variant type: single nucleotide variant.
Coding change: c.503+1G>A on transcript NM_001619.5 (MANE Select); the canonical splice donor site of the intron after coding-DNA position 503, G replaced by A.
Molecular consequence: splice donor variant.
Genome position (GRCh38, 1-based): chr11:67,279,901, G>A. VCF-style: chr11-67279901-G-A. GRCh37 (hg19) VCF-style: chr11-67047372-G-A.
Identifiers: ClinVar variation 4856347 (VCV004856347.1).